The following is an entry in ClinVar:

NM_000053.4(ATP7B):c.1969A>C (p.Ser657Arg)

Gene: ATP7B (ATPase copper transporting beta; minus strand). Cytogenetic location: 13q14.3.
Variant type: single nucleotide variant.
Coding change: c.1969A>C on transcript NM_000053.4 (MANE Select); coding-DNA position 1969, A replaced by C.
Protein change: p.Ser657Arg; replaces serine 657 with arginine.
Molecular consequence: missense variant. On other transcripts: intron variant (2).
Genome position (GRCh38, 1-based): chr13:51,960,300, T>G on the plus strand (A>C on the coding strand, the complement: ATP7B is on the minus strand). VCF-style: chr13-51960300-T-G. GRCh37 (hg19) VCF-style: chr13-52534436-T-G.
Other names: c.1636A>C, p.Ser546Arg (NM_001243182.2); c.1969A>C, p.Ser657Arg (NM_001330578.2); c.1870-2693A>C (NM_001005918.3); c.1870-1756A>C (NM_001330579.2); short protein forms S657R, S546R.
Identifiers: ClinVar variation 157932 (VCV000157932.13), dbSNP rs372436901, ClinGen allele CA271168.

ClinVar aggregate classification (germline): Conflicting classifications of pathogenicity. Review status: criteria provided, conflicting classifications (1 of 4 stars). 8 submissions from 8 submitters: Pathogenic (1); Likely pathogenic (1); Uncertain significance (5). 1 of the submissions does not count toward it. Last evaluated 2026-08-18.

Conditions:
Wilson disease (WND). Also called: Wilson's disease. Identifiers: Orphanet 905, MedGen C0019202, MONDO:0010200, OMIM 277900. Disease mechanism: loss of function.

Allele frequency attached by ClinVar (database versions not stated): TOPMed below 0.00001; gnomAD 0.00001; ESP Exome Variant Server 0.00016.
gnomAD v4.1: 24 of 1,613,568 alleles (0.0015%); highest among the groups gnomAD compares: Non-Finnish European, 0.002%; no homozygotes.

Submissions (8):

Myriad Genetics, Inc.
Classification: Uncertain significance for Wilson disease. Last evaluated: 2026-08-18. Review status: criteria provided, single submitter. Criteria: Myriad Autosomal Dominant, Autosomal Recessive and X-Linked Classification Criteria (2023). Collection method: clinical testing. Allele origin: unknown.
Comment: NM_000053.3(ATP7B):c.1969A>C(S657R) is a missense variant classified as a variant of uncertain significance in the context of Wilson disease. S657R has been observed in cases with relevant disease (PMID: 30232804, 23518715, 18373411, 31708252). Relevant functional assessments of this variant are available in the literature (PMID: 40661833). S657R has been observed in referenced population frequency databases. In summary, there is insufficient evidence to classify NM_000053.3(ATP7B):c.1969A>C(S657R) as pathogenic or benign. Please note: this variant was assessed in the context of healthy population screening.

Labcorp Genetics (formerly Invitae), Labcorp
Classification: Uncertain significance for Wilson disease. Last evaluated: 2025-11-15. Review status: criteria provided, single submitter. Criteria: Invitae Variant Classification Sherloc (09022015). Collection method: clinical testing. Allele origin: germline.
Comment: This sequence change replaces serine, which is neutral and polar, with arginine, which is basic and polar, at codon 657 of the ATP7B protein (p.Ser657Arg). This variant is present in population databases (rs372436901, gnomAD 0.002%). This missense change has been observed in individual(s) with Wilson disease (PMID: 18373411, 31708252). ClinVar contains an entry for this variant (Variation ID: 157932). Invitae Evidence Modeling of protein sequence and biophysical properties (such as structural, functional, and spatial information, amino acid conservation, physicochemical variation, residue mobility, and thermodynamic stability) indicates that this missense variant is expected to disrupt ATP7B protein function with a positive predictive value of 80%. In summary, the available evidence is currently insufficient to determine the role of this variant in disease. Therefore, it has been classified as a Variant of Uncertain Significance.

Color Diagnostics, LLC DBA Color Health
Classification: Likely pathogenic for Wilson disease. Last evaluated: 2025-09-24. Review status: criteria provided, single submitter. Criteria: ACMG Guidelines, 2015. Collection method: clinical testing. Allele origin: germline.
Comment: This missense variant replaces serine with arginine at codon 657 in a transmembrane domain of the ATP7B protein. Computational prediction suggests that this variant may have deleterious impact on protein structure and function. Functional studies have shown that this variant completely disrupted copper transport activity (PMID: 40661833). This variant has been observed in individuals affected with autosomal recessive Wilson disease (PMID: 18373411, 31708252). This variant has not been identified in the general population by the Genome Aggregation Database (gnomAD). Based on the available evidence, this variant is classified as Likely Pathogenic.

Mayo Clinic Laboratories, Mayo Clinic
Classification: Uncertain significance. Last evaluated: 2024-01-31. Review status: criteria provided, single submitter. Criteria: ACMG Guidelines, 2015. Collection method: clinical testing. Allele origin: germline. Observed: 1 variant allele.
Comment: PP3, PM2_moderate

Genome-Nilou Lab
Classification: Uncertain significance for Wilson disease. Last evaluated: 2021-08-10. Review status: criteria provided, single submitter. Criteria: ACMG Guidelines, 2015. Collection method: clinical testing. Allele origin: germline. Affected: no.

Women's Health and Genetics/Laboratory Corporation of America, LabCorp
Classification: Uncertain significance. Last evaluated: 2017-04-13. Review status: criteria provided, single submitter. Criteria: LabCorp Variant Classification Summary - May 2015. Collection method: clinical testing. Allele origin: germline.
Comment: Variant summary: The ATP7B c.1969A>C (p.Ser657Arg) variant involves the alteration of a conserved nucleotide. 5/5 in silico tools predict a damaging outcome for this variant. This variant was found in 3/118565 control chromosomes at a frequency of 0.0000253, which does not exceed the estimated maximal expected allele frequency of a pathogenic ATP7B variant (0.0054006). This variant has been reported in three unrelated patients with Wilson disease (Davies_2008). In addition, multiple clinical diagnostic laboratories/reputable databases classified this variant as pathogenic without evidence for independent review. Taken together, this variant is classified as VUS-possibly pathogenic.

Genetic Services Laboratory, University of Chicago
Classification: Pathogenic for Wilson disease. Last evaluated: 2013-02-08. Review status: criteria provided, single submitter. Criteria: ACMG Guidelines, 2007. Collection method: clinical testing. Allele origin: germline. Inheritance: Autosomal recessive inheritance. Affected: yes.

Natera, Inc.
Classification: Uncertain significance for Wilson disease. Last evaluated: 2020-09-16. Review status: no assertion criteria provided. Collection method: clinical testing. Allele origin: germline. Not counted in ClinVar's aggregate classification.

Literature cited by the submitters: PubMed 18373411 (cited by 5 submitters); PubMed 23518715 (cited by Myriad Genetics, Inc.); PubMed 30232804 (cited by Myriad Genetics, Inc.); PubMed 31708252 (cited by 4 submitters); PubMed 40661833 (cited by Myriad Genetics, Inc. and Color Diagnostics, LLC DBA Color Health); PubMed 22692182 (cited by Mayo Clinic Laboratories, Mayo Clinic and Women's Health and Genetics/Laboratory Corporation of America, LabCorp); PubMed 24253677 (cited by Women's Health and Genetics/Laboratory Corporation of America, LabCorp).